The following is an entry in ClinVar:

NM_017514.5(PLXNA3):c.1284C>T (p.Val428=)

Gene: PLXNA3 (plexin A3; plus strand). Cytogenetic location: Xq28.
Variant type: single nucleotide variant.
Coding change: c.1284C>T on transcript NM_017514.5 (MANE Select); coding-DNA position 1284, C replaced by T.
Protein change: p.Val428=; no amino-acid change (valine 428 retained).
Molecular consequence: synonymous variant.
Genome position (GRCh38, 1-based): chrX:154,462,277, C>T. VCF-style: chrX-154462277-C-T. GRCh37 (hg19) VCF-style: chrX-153690617-C-T.
Identifiers: ClinVar variation 2661832 (VCV002661832.25), dbSNP rs782042921, ClinGen allele CA10563976.

ClinVar aggregate classification (germline): Likely benign. Review status: criteria provided, single submitter (1 of 4 stars). 2 submissions from 2 submitters: Likely benign (1). 1 of the submissions does not count toward it. Last evaluated 2023-01-01.

Conditions:
PLXNA3-related disorder. Also called: PLXNA3-related condition.

Allele frequency attached by ClinVar (database versions not stated): ExAC 0.00007; gnomAD 0.00008; gnomAD exomes 0.00009; TOPMed 0.00013.

Submissions (2):

CeGaT Center for Human Genetics Tuebingen
Classification: Likely benign. Last evaluated: 2023-01-01. Review status: criteria provided, single submitter. Criteria: CeGaT Center For Human Genetics Tuebingen Variant Classification Criteria Version 2. Collection method: clinical testing. Allele origin: germline. Affected: yes. Observed: 2 variant alleles.
Comment: PLXNA3: BP4, BP7, BS2

PreventionGenetics, part of Exact Sciences
Classification: Likely benign for PLXNA3-related condition. Last evaluated: 2019-02-28. Review status: no assertion criteria provided. Collection method: clinical testing. Allele origin: germline. Not counted in ClinVar's aggregate classification.
Comment: This variant is classified as likely benign based on ACMG/AMP sequence variant interpretation guidelines (Richards et al. 2015 PMID: 25741868, with internal and published modifications).